The following is an entry in ClinVar:

NM_139058.3(ARX):c.346_352delinsGCGGCAG (p.Thr116_Thr118delinsAlaAlaAla)

Genes: ARX (aristaless related homeobox; minus strand), LOC109610631 (aristaless related homeobox polyalanine expansion region; plus strand). Cytogenetic location: Xp21.3.
Variant type: Indel.
Coding change: c.346_352delinsGCGGCAG on transcript NM_139058.3 (MANE Select); coding-DNA positions 346 to 352, ACGGCCA replaced by GCGGCAG.
Protein change: p.Thr116_Thr118delinsAlaAlaAla.
Molecular consequence: missense variant.
Genome position (GRCh38, 1-based): chrX:25,013,643-25,013,649, TGGCCGT replaced by CTGCCGC on the plus strand (ACGGCCA replaced by GCGGCAG on the coding strand, the reverse complement: ARX is on the minus strand). VCF-style: chrX-25013643-TGGCCGT-CTGCCGC. GRCh37 (hg19) VCF-style: chrX-25031760-TGGCCGT-CTGCCGC.
Identifiers: ClinVar variation 3371292 (VCV003371292.1).

ClinVar aggregate classification (germline): Uncertain significance (1 of 4 stars; one submission).

Submission:

GeneDx
Classification: Uncertain significance. Last evaluated: 2024-03-21. Review status: criteria provided, single submitter. Criteria: GeneDx Variant Classification Process June 2021. Collection method: clinical testing. Allele origin: germline. Affected: yes.
Comment: Polyalanine repeat expansions of 19-22 repeats have not been previously reported in the literature to our knowledge (HGMD); Not observed at significant frequency in large population cohorts (gnomAD)